The following is an entry in ClinVar:

ClinVar aggregate classification (germline): Conflicting classifications of pathogenicity. Review status: criteria provided, conflicting classifications (1 of 4 stars). 18 submissions from 18 submitters: Uncertain significance (8); Likely benign (5). 5 of the submissions do not count toward it. Last evaluated 2026-03-05.

Conditions:
Hereditary cancer-predisposing syndrome. Also called: Hereditary Cancer Syndrome; Tumor predisposition; Neoplastic Syndromes, Hereditary; Hereditary neoplastic syndrome. Identifiers: Orphanet 140162, MedGen C0027672, MeSH D009386, MONDO:0015356.
Breast and/or ovarian cancer. Identifiers: MedGen CN221562.
Hereditary breast ovarian cancer syndrome. Also called: Breast and ovarian cancer; BRCA1- and BRCA2-Associated Hereditary Breast and Ovarian Cancer; Hereditary breast and ovarian cancer; Hereditary breast and ovarian cancer syndrome (HBOC); Hereditary breast and ovarian cancer syndrome; Hereditary breast and/or ovarian cancer syndrome. Identifiers: Orphanet 145, MedGen C0677776, MeSH D061325, MONDO:0003582. Disease mechanism: loss of function.
Breast-ovarian cancer, familial, susceptibility to, 2 (BROVCA2). Also called: BRCA2 Hereditary Breast and Ovarian Cancer. Identifiers: Orphanet 145, MedGen C2675520, MONDO:0012933, OMIM 612555. Disease mechanism: loss of function.
Familial cancer of breast. Also called: BREAST CANCER, FAMILIAL; hereditary breast carcinoma; Hereditary breast cancer. Identifiers: Orphanet 227535, MedGen C0346153, MONDO:0016419, OMIM 114480. Disease mechanism: loss of function.
Malignant tumor of breast. Also called: Malignant breast neoplasm; Cancer breast. Identifiers: MedGen C0006142, MONDO:0007254. Disease mechanism: loss of function.

Submissions 1 to 13 of 18:

Women's Health and Genetics/Laboratory Corporation of America, LabCorp
Classification: Likely benign. Last evaluated: 2026-03-05. Review status: criteria provided, single submitter. Criteria: LabCorp Variant Classification Summary - May 2015. Collection method: clinical testing. Allele origin: germline.
Comment: Variant summary: BRCA2 c.9613_9614delinsCT (p.Ala3205Leu) results in a non-conservative amino acid change in the encoded protein sequence. Algorithms developed to predict the effect of missense changes on protein structure and function are either unavailable or do not agree on the potential impact of this missense change. This is a multi nucleotide variant and was found at a frequency of 2.4e-05 in 246148 control chromosomes. The available data on variant occurrences in the general population are insufficient to allow any conclusion about variant significance. c.9613_9614delinsCT has been reported in individuals affected with a variety of cancers such as breast, ovarian, prostate and/or pancreatic surveillance (example, Sanz_2010, Maier_2014, Malone_2000, El Seghir_2015, Abe_2019, Santonocito_2020, Patruno_2021, Zografos_2022, Bisgin_2022). These reports do not provide unequivocal conclusions about association of the variant with Hereditary Breast And Ovarian Cancer Syndrome. At-least two co-occurrences with other pathogenic variant(s) have been observed at our laboratory (CDH1 c.382delC, p.His128Ilefs; BRCA1 c.2475delC, p.Asp825fsX21), providing supporting evidence for a benign role. At least one publication reports experimental evidence reporting no damaging effect of this variant on splicing in patient lymphocytes (Sanz_2010). The following publications have been ascertained in the context of this evaluation (PMID: 30883245, 25382762, 35753294, 24728327, 21120943, 25777348, 25111659, 10717622, 34572941, 32438681, 20215541, 36011273, 15365999). ClinVar contains an entry for this variant (Variation ID: 52875). Based on the evidence outlined above, the variant was classified as likely benign.

Labcorp Genetics (formerly Invitae), Labcorp
Classification: Likely benign for Hereditary breast ovarian cancer syndrome. Last evaluated: 2025-12-30. Review status: criteria provided, single submitter. Criteria: Invitae Variant Classification Sherloc (09022015). Collection method: clinical testing. Allele origin: germline.

Center for Genomic Medicine, Rigshospitalet, Copenhagen University Hospital
Classification: Likely benign. Last evaluated: 2025-12-29. Review status: criteria provided, single submitter. Criteria: ACMG Guidelines, 2015. Collection method: clinical testing. Allele origin: germline.

Quest Diagnostics Nichols Institute San Juan Capistrano
Classification: Uncertain significance. Last evaluated: 2025-09-22. Review status: criteria provided, single submitter. Criteria: Quest Diagnostics criteria. Collection method: clinical testing. Allele origin: unknown.
Comment: The BRCA2 c.9613_9614delinsCT (p.Ala3205Leu) variant has been reported in the published literature in individuals with a personal or family history of breast and/or ovarian cancer (PMID: 39565531 (2024), 39062721 (2024), 35402282 (2022), 35753294 (2022), 33471991 (2021), 34933735 (2021), 34933735 (2021), 25777348 (2015), 10717622 (2000)), prostate cancer (PMID: 25111659 (2014)), and pancreatic cancer (PMID: 34034685 (2021)). It has also been observed in reportedly healthy individuals (PMID: 33471991 (2021), 30883245 (2019), 24728327 (2014)). In addition, this variant has been reported to cause minimal exon 26 skipping in the BRCA2 gene (PMID: 20215541 (2010)) or no splice effect (PMID: 25382762 (2015)). The frequency of this variant in the general population (Genome Aggregation Database) is uninformative in the assessment of its pathogenicity. Analysis of this variant using bioinformatics tools for the prediction of the effect of amino acid changes on protein structure and function yielded predictions that this variant is benign. Based on the available information, we are unable to determine the clinical significance of this variant.

Dasa
Classification: Uncertain significance for Breast-ovarian cancer, familial, susceptibility to, 2. Last evaluated: 2025-03-18. Review status: criteria provided, single submitter. Criteria: DASA Assertion Criteria. Collection method: clinical testing. Allele origin: germline.
Comment: NM_000059.4(BRCA2):c.9613_9614delinsCT (p.Ala3205Leu) is an in-frame insertion/deletion-insertion predicted to alter the protein sequence without shifting the reading frame. This variant is absent from population databases. The currently available literature and clinical evidence are not sufficient to establish a definitive association between this variant and the reported condition. Therefore, this variant is classified as a variant of uncertain significance.

GeneDx
Classification: Uncertain significance. Last evaluated: 2024-11-21. Review status: criteria provided, single submitter. Criteria: GeneDx Variant Classification Process June 2021. Collection method: clinical testing. Allele origin: germline. Affected: yes.
Comment: Observed in individuals with a personal or family history of breast, ovarian, pancreatic, or prostate cancer (PMID: 10717622, 25111659, 25777348, 30883245, 32438681, 36011273, 35402282, 35127508, 39062721); Published functional studies demonstrate no damaging effect on splicing (PMID: 19471317, 20215541); In silico analysis indicates that this variant does not alter protein structure/function; Not observed at significant frequency in large population cohorts (gnomAD); Also known as 9841_9842delinsCT; This variant is associated with the following publications: (PMID: 35753294, 25111659, 24728327, 10717622, 25777348, 20215541, 19471317, 25382762, 21120943, 31209999, 33471991, 34572941, 32438681, 30883245, 36011273, 34933735, 35402282, 35127508, 39062721)

Ambry Genetics
Classification: Likely benign for Hereditary cancer-predisposing syndrome. Last evaluated: 2024-07-17. Review status: criteria provided, single submitter. Criteria: Ambry Variant Classification Scheme 2023. Collection method: clinical testing. Allele origin: germline.

Color Diagnostics, LLC DBA Color Health
Classification: Uncertain significance for Hereditary cancer-predisposing syndrome. Last evaluated: 2024-04-16. Review status: criteria provided, single submitter. Criteria: ACMG Guidelines, 2015. Collection method: clinical testing. Allele origin: germline.
Comment: This missense variant replaces alanine with leucine at codon 3205 of the BRCA2 protein. To our knowledge, functional studies have not been reported for this variant. This variant has been detected in at least five individuals affected with breast cancer and two individuals affected with prostate cancer and at least two unaffected individuals (PMID: 10717622, 19471317, 20215541, 24728327, 25111659, 25777348, 30883245, 32438681, 33471991; Leiden Open Variation Database DB-ID BRCA2_002741, 35127508, 35402282). This variant has been identified in 6/251370 chromosomes in the general population by the Genome Aggregation Database (gnomAD). The available evidence is insufficient to determine the role of this variant in disease conclusively. Therefore, this variant is classified as a Variant of Uncertain Significance.

Baylor Genetics
Classification: Uncertain significance for Familial cancer of breast. Last evaluated: 2024-02-16. Review status: criteria provided, single submitter. Criteria: ACMG Guidelines, 2015. Collection method: clinical testing. Allele origin: unknown.

MGZ Medical Genetics Center
Classification: Likely benign for Familial cancer of breast. Last evaluated: 2024-02-09. Review status: criteria provided, single submitter. Criteria: CSpec BRCA1/2ACMG Rules Specifications V1.1.0. Collection method: clinical testing. Allele origin: germline. Affected: yes.
Comment: ACMG codes applied following ENIGMA VCEP rules: BP1_STR

KCCC/NGS Laboratory, Kuwait Cancer Control Center
Classification: Uncertain significance for Breast-ovarian cancer, familial, susceptibility to, 2. Last evaluated: 2023-06-06. Review status: criteria provided, single submitter. Criteria: ACMG Guidelines, 2015. Collection method: clinical testing. Allele origin: germline. Affected: yes.
Comment: an indel in the BRCA2 gene (c.9613_9614delGCinsCT) which results in the substitution of Leucine for Alanine at amino acid position 3205. This mutation is considered as a variant of uncertain significance.

Revvity Omics, Revvity
Classification: Uncertain significance. Last evaluated: 2021-10-20. Review status: criteria provided, single submitter. Criteria: ACMG Guidelines, 2015. Collection method: clinical testing. Allele origin: germline.

CeGaT Center for Human Genetics Tuebingen
Classification: Uncertain significance. Last evaluated: 2019-11-01. Review status: criteria provided, single submitter. Criteria: CeGaT Center For Human Genetics Tuebingen Variant Classification Criteria Version 2. Collection method: clinical testing. Allele origin: germline. Affected: yes. Observed: 1 variant allele.

NM_000059.4(BRCA2):c.9613_9614delinsCT (p.Ala3205Leu)

Gene: BRCA2 (BRCA2 DNA repair associated; plus strand). Cytogenetic location: 13q13.1.
Variant type: Indel.
Coding change: c.9613_9614delinsCT on transcript NM_000059.4 (MANE Select); coding-DNA positions 9613 to 9614, GC replaced by CT.
Protein change: p.Ala3205Leu; replaces alanine 3205 with leucine.
Molecular consequence: missense variant.
Genome position (GRCh38, 1-based): chr13:32,397,009-32,397,010, GC replaced by CT. VCF-style: chr13-32397009-GC-CT. GRCh37 (hg19) VCF-style: chr13-32971146-GC-CT.
Other names: A3205L; c.9613_9614delGCinsCT (NM_000059.3).
Identifiers: ClinVar variation 52875 (VCV000052875.77), dbSNP rs276174926, ClinGen allele CA026234.
Genomic context (GRCh38, chr13:32,397,009, plus strand): 5'-CATGCAAATGATCCCAAGTGGTCCACCCCAACTAAAGACTGTACTTCAGGGCCGTACACT[GC>CT]TCAAATCATTCCTGGTACAGGAAACAAGCTTCTGGTAAGTTAATGTAAACTCAAGGAATA-3'
Protein context (NP_000050.3, residues 3195-3215): TKDCTSGPYT[Ala3205Leu]QIIPGTGNKL